The following is an entry in ClinVar:

ClinVar aggregate classification (germline): Conflicting classifications of pathogenicity. Review status: criteria provided, conflicting classifications (1 of 4 stars). 2 submissions from 2 submitters: Pathogenic (1); Uncertain significance (1). Last evaluated 2025-07-31.

Conditions:
Hereditary cancer-predisposing syndrome. Also called: Neoplastic Syndromes, Hereditary; Tumor predisposition; Hereditary Cancer Syndrome; Hereditary neoplastic syndrome. Identifiers: Orphanet 140162, MedGen C0027672, MeSH D009386, MONDO:0015356.

Allele frequency attached by ClinVar (database versions not stated): gnomAD exomes below 0.00001.

Submissions (2):

Labcorp Genetics (formerly Invitae), Labcorp
Classification: Pathogenic. Last evaluated: 2025-07-31. Review status: criteria provided, single submitter. Criteria: Invitae Variant Classification Sherloc (09022015). Collection method: clinical testing. Allele origin: germline.
Comment: This sequence change creates a premature translational stop signal (p.Ser1829Profs*16) in the POLE gene. It is expected to result in an absent or disrupted protein product. Loss-of-function variants in POLE are known to be pathogenic (PMID: 23230001, 25948378, 30503519). This variant is not present in population databases (gnomAD no frequency). This variant has not been reported in the literature in individuals affected with POLE-related conditions. ClinVar contains an entry for this variant (Variation ID: 473734). For these reasons, this variant has been classified as Pathogenic.

Ambry Genetics
Classification: Uncertain significance for Hereditary cancer-predisposing syndrome. Last evaluated: 2025-04-02. Review status: criteria provided, single submitter. Criteria: Ambry Variant Classification Scheme 2023. Collection method: clinical testing. Allele origin: germline.
Comment: The c.5484delA variant, located in coding exon 40 of the POLE gene, results from a deletion of one nucleotide at nucleotide position 5484, causing a translational frameshift with a predicted alternate stop codon (p.S1829Pfs*16). This alteration is expected to result in loss of function by premature protein truncation or nonsense-mediated mRNA decay. Although biallelic loss of function of POLE has been associated with autosomal recessive POLE deficiency, haploinsufficiency of POLE has not been established as a mechanism of disease for POLE-related polymerase proofreading-associated polyposis (PPAP) and POLE-related CMMRD-like syndrome. Based on the supporting evidence, this variant is expected to be causative of POLE deficiency when present along with a second pathogenic variant on the other allele; however, its clinical significance for PPAP and POLE-related CMMRD-like syndrome is unclear.

Literature cited by the submitters: PubMed 23230001 (cited by Labcorp Genetics (formerly Invitae), Labcorp); PubMed 25948378 (cited by Labcorp Genetics (formerly Invitae), Labcorp); PubMed 30503519 (cited by Labcorp Genetics (formerly Invitae), Labcorp).

NM_006231.4(POLE):c.5484del (p.Ser1829fs)

Gene: POLE (DNA polymerase epsilon, catalytic subunit; minus strand). Cytogenetic location: 12q24.33.
Variant type: Deletion.
Coding change: c.5484del on transcript NM_006231.4 (MANE Select); coding-DNA position 5484, one base deleted (A; older notation c.5484delA).
Protein change: p.Ser1829fs; shifts the reading frame from serine 1829.
Molecular consequence: frameshift variant.
Genome position (GRCh38, 1-based): chr12:132,639,193, T deleted on the plus strand (A on the coding strand, the reverse complement: POLE is on the minus strand). VCF-style (leftmost placement, unchanged base first): chr12-132639192-AT-A. GRCh37 (hg19) VCF-style: chr12-133215778-AT-A.
Other names: c.5484delA (NM_006231.3, NM_006231.2); short protein forms S1829fs.
Identifiers: ClinVar variation 473734 (VCV000473734.11), dbSNP rs1555221914, ClinGen allele CA658658209.